The following is an entry in ClinVar:

NM_030665.4(RAI1):c.1930del (p.Glu644fs)

Gene: RAI1 (retinoic acid induced 1; plus strand). Cytogenetic location: 17p11.2.
Variant type: Deletion.
Coding change: c.1930del on transcript NM_030665.4 (MANE Select); coding-DNA position 1930, one base deleted (G; older notation c.1930delG).
Protein change: p.Glu644fs; shifts the reading frame from glutamic acid 644.
Molecular consequence: frameshift variant.
Genome position (GRCh38, 1-based): chr17:17,794,878, G deleted; the last of 2 consecutive G bases (chr17:17,794,877-17,794,878); deleting either gives the same sequence. VCF-style (leftmost placement, unchanged base first): chr17-17794876-TG-T. GRCh37 (hg19) VCF-style: chr17-17698190-TG-T.
Other names: short protein forms E644fs.
Identifiers: ClinVar variation 3383080 (VCV003383080.2).

ClinVar aggregate classification (germline): Likely pathogenic (1 of 4 stars; one submission).

Conditions:
Smith-Magenis syndrome (SMS). Also called: CHROMOSOME 17p11.2 DELETION SYNDROME. Identifiers: Orphanet 819, MedGen C0795864, MONDO:0008434, OMIM 182290.

Submission:

Juno Genomics, Hangzhou Juno Genomics, Inc
Classification: Likely pathogenic for Smith-Magenis syndrome. Review status: criteria provided, single submitter. Criteria: ACMG Guidelines, 2015. Collection method: clinical testing. Allele origin: germline. Affected: yes.
Comment: Null variant in a gene where loss of function (LOF) is a known mechanism of disease.;Absent from controls (or at extremely low frequency if recessive) in Genome Aggregation Database, Exome Sequencing Project, 1000 Genomes Project, or Exome Aggregation Consortium.